The following is an entry in ClinVar:

NM_001267550.2(TTN):c.73568del (p.Pro24523fs)

Genes: TTN (titin; minus strand), TTN-AS1 (TTN antisense RNA 1; plus strand). Cytogenetic location: 2q31.2.
Variant type: Deletion.
Coding change: c.73568del on transcript NM_001267550.2 (MANE Select); coding-DNA position 73568, one base deleted (C; older notation c.73568delC).
Protein change: p.Pro24523fs; shifts the reading frame from proline 24523.
Molecular consequence: frameshift variant.
Genome position (GRCh38, 1-based): chr2:178,572,564, G deleted on the plus strand (C on the coding strand, the reverse complement: TTN is on the minus strand); the first of 6 consecutive G bases (chr2:178,572,564-178,572,569); deleting any one gives the same sequence. VCF-style (leftmost placement, unchanged base first): chr2-178572563-TG-T. GRCh37 (hg19) VCF-style: chr2-179437290-TG-T.
Other names: c.68645del, p.Pro22882fs (NM_001256850.1); c.46373del, p.Pro15458fs (NM_003319.4); c.65864del, p.Pro21955fs (NM_133378.4); c.46748del, p.Pro15583fs (NM_133432.3); c.46949del, p.Pro15650fs (NM_133437.4); c.73568delC (NM_001267550.2); short protein forms P22882fs, P15650fs, P21955fs, P24523fs, P15458fs, P15583fs.
Identifiers: ClinVar variation 568091 (VCV000568091.12), dbSNP rs1559415567, ClinGen allele CA430256124.

ClinVar aggregate classification (germline): Pathogenic/Likely pathogenic. Review status: criteria provided, multiple submitters, no conflicts (2 of 4 stars). 3 submissions from 3 submitters: Pathogenic (1); Likely pathogenic (1). 1 of the submissions does not count toward it. Last evaluated 2025-04-08.

Conditions:
Primary dilated cardiomyopathy (DCM). Also called: Dilated Cardiomyopathy. Identifiers: Orphanet 217604, MedGen C0007193, MeSH D002311, MONDO:0005021, HP:0001644. Inheritance: Various modes of inheritance.
Dilated cardiomyopathy 1G (CMD1G). Identifiers: Orphanet 154, MedGen C1858763, MONDO:0011400, OMIM 604145.
Autosomal recessive limb-girdle muscular dystrophy type 2J (LGMDR10). Also called: MUSCULAR DYSTROPHY, LIMB-GIRDLE, AUTOSOMAL RECESSIVE 10; Limb-girdle muscular dystrophy, type 2J. Identifiers: Orphanet 140922, MedGen C1837342, MONDO:0012127, OMIM 608807.

Submissions (3):

Labcorp Genetics (formerly Invitae), Labcorp
Classification: Likely pathogenic for Dilated cardiomyopathy 1G; Autosomal recessive limb-girdle muscular dystrophy type 2J. Last evaluated: 2025-04-08. Review status: criteria provided, single submitter. Criteria: Invitae Variant Classification Sherloc (09022015). Collection method: clinical testing. Allele origin: germline.
Comment: This sequence change creates a premature translational stop signal (p.Pro24523Hisfs*4) in the TTN gene. While this is not anticipated to result in nonsense mediated decay, it is expected to create a truncated TTN protein. This variant is not present in population databases (gnomAD no frequency). This premature translational stop signal has been observed in individual(s) with dilated cardiomyopathy (PMID: 30012837). ClinVar contains an entry for this variant (Variation ID: 568091). This variant is located in the A band of TTN (PMID: 25589632). Truncating variants in this region are significantly overrepresented in patients affected with dilated cardiomyopathy (PMID: 25589632). Truncating variants in this region have also been reported in individuals affected with autosomal recessive centronuclear myopathy (PMID: 23975875). In summary, the currently available evidence indicates that the variant is pathogenic, but additional data are needed to prove that conclusively. Therefore, this variant has been classified as Likely Pathogenic.

Center for Advanced Laboratory Medicine, UC San Diego Health, University of California San Diego
Classification: Pathogenic for Dilated cardiomyopathy. Last evaluated: 2019-05-14. Review status: criteria provided, single submitter. Criteria: ACMG Guidelines, 2015. Collection method: clinical testing. Allele origin: germline. Affected: yes. Observed: 1 variant allele.

University of Washington Center for Mendelian Genomics, University of Washington
Classification: Uncertain significance for Dilated Cardiomyopathy. Review status: no assertion criteria provided. Collection method: research. Allele origin: inherited. Affected: yes. Not counted in ClinVar's aggregate classification.

Literature cited by the submitters: PubMed 30012837 (cited by Labcorp Genetics (formerly Invitae), Labcorp and University of Washington Center for Mendelian Genomics, University of Washington); PubMed 25589632 (cited by Labcorp Genetics (formerly Invitae), Labcorp); PubMed 23975875 (cited by Labcorp Genetics (formerly Invitae), Labcorp).